The following is an entry in ClinVar:

ClinVar aggregate classification (germline): Uncertain significance. Review status: criteria provided, multiple submitters, no conflicts (2 of 4 stars). 2 submissions from 2 submitters: Uncertain significance (2). Last evaluated 2023-01-13.

Conditions:
Spastic paraplegia. Identifiers: MedGen C0037772, HP:0001258.

Allele frequency attached by ClinVar (database versions not stated): gnomAD exomes below 0.00001 and 0.00001; ExAC 0.00001; TOPMed 0.00002.
gnomAD v4.1: 11 of 1,613,812 alleles (0.00068%); highest among the groups gnomAD compares: Non-Finnish European, 0.00085%; no homozygotes.

Submissions (2):

Labcorp Genetics (formerly Invitae), Labcorp
Classification: Uncertain significance for Spastic paraplegia. Last evaluated: 2023-01-13. Review status: criteria provided, single submitter. Criteria: Invitae Variant Classification Sherloc (09022015). Collection method: clinical testing. Allele origin: germline.
Comment: In summary, the available evidence is currently insufficient to determine the role of this variant in disease. Therefore, it has been classified as a Variant of Uncertain Significance. Advanced modeling of protein sequence and biophysical properties (such as structural, functional, and spatial information, amino acid conservation, physicochemical variation, residue mobility, and thermodynamic stability) performed at Invitae indicates that this missense variant is not expected to disrupt KIF5A protein function. ClinVar contains an entry for this variant (Variation ID: 1497382). This missense change has been observed in individual(s) with amyotrophic lateral sclerosis (PMID: 29954873). This variant is present in population databases (rs763041798, gnomAD 0.0009%). This sequence change replaces valine, which is neutral and non-polar, with isoleucine, which is neutral and non-polar, at codon 922 of the KIF5A protein (p.Val922Ile).

CeGaT Center for Human Genetics Tuebingen
Classification: Uncertain significance. Last evaluated: 2022-11-01. Review status: criteria provided, single submitter. Criteria: CeGaT Center For Human Genetics Tuebingen Variant Classification Criteria Version 2. Collection method: clinical testing. Allele origin: germline. Affected: yes. Observed: 1 variant allele.

Literature cited by the submitters: PubMed 29954873 (cited by Labcorp Genetics (formerly Invitae), Labcorp).

NM_004984.4(KIF5A):c.2764G>A (p.Val922Ile)

Gene: KIF5A (kinesin family member 5A; plus strand). Cytogenetic location: 12q13.3.
Variant type: single nucleotide variant.
Coding change: c.2764G>A on transcript NM_004984.4 (MANE Select); coding-DNA position 2764, G replaced by A.
Protein change: p.Val922Ile; replaces valine 922 with isoleucine.
Molecular consequence: missense variant.
Genome position (GRCh38, 1-based): chr12:57,581,423, G>A. VCF-style: chr12-57581423-G-A. GRCh37 (hg19) VCF-style: chr12-57975206-G-A.
Other names: c.2497G>A, p.Val833Ile (NM_001354705.2); short protein forms V833I, V922I.
Identifiers: ClinVar variation 1497382 (VCV001497382.30), dbSNP rs763041798, ClinGen allele CA6653212.
Genomic context (GRCh38, chr12:57,581,423, plus strand): 5'-GGCAAATGCAGGGTCATAGCCTCCTCATGGTTGTTTTCTTTCTTTATTGCAGCCAAACCC[G>A]TCCGGCCTGGCCACTACCCAGCATCCTCACCCACCAACCCCTATGGCACCCGGAGCCCTG-3'
Protein context (NP_004975.2, residues 912-932): RGHSAQIAKP[Val922Ile]RPGHYPASSP